The following is an entry in ClinVar:

ClinVar aggregate classification (germline): Uncertain significance (1 of 4 stars; one submission).

Allele frequency attached by ClinVar (database versions not stated): TOPMed below 0.00001; ExAC 0.00001; gnomAD exomes 0.00001.
gnomAD v4.1: 12 of 1,440,676 alleles (0.00083%); highest among the groups gnomAD compares: Middle Eastern, 0.035%; no homozygotes.

Submission:

Labcorp Genetics (formerly Invitae), Labcorp
Classification: Uncertain significance. Last evaluated: 2022-08-30. Review status: criteria provided, single submitter. Criteria: Invitae Variant Classification Sherloc (09022015). Collection method: clinical testing. Allele origin: germline.
Comment: In summary, the available evidence is currently insufficient to determine the role of this variant in disease. Therefore, it has been classified as a Variant of Uncertain Significance. Algorithms developed to predict the effect of missense changes on protein structure and function are either unavailable or do not agree on the potential impact of this missense change (SIFT: "Tolerated"; PolyPhen-2: "Probably Damaging"; Align-GVGD: "Class C0"). This variant has not been reported in the literature in individuals affected with SPPL2A-related conditions. This variant is present in population databases (rs746618778, gnomAD 0.007%). This sequence change replaces isoleucine, which is neutral and non-polar, with methionine, which is neutral and non-polar, at codon 357 of the SPPL2A protein (p.Ile357Met).

NM_032802.4(SPPL2A):c.1071A>G (p.Ile357Met)

Gene: SPPL2A (signal peptide peptidase like 2A; minus strand). Cytogenetic location: 15q21.2.
Variant type: single nucleotide variant.
Coding change: c.1071A>G on transcript NM_032802.4 (MANE Select); coding-DNA position 1071, A replaced by G.
Protein change: p.Ile357Met; replaces isoleucine 357 with methionine.
Molecular consequence: missense variant.
Genome position (GRCh38, 1-based): chr15:50,730,983, T>C on the plus strand (A>G on the coding strand, the complement: SPPL2A is on the minus strand). VCF-style: chr15-50730983-T-C. GRCh37 (hg19) VCF-style: chr15-51023180-T-C.
Other names: short protein forms I357M.
Identifiers: ClinVar variation 1935438 (VCV001935438.5), dbSNP rs746618778, ClinGen allele CA7558332.